The following is an entry in ClinVar:

NM_004526.4(MCM2):c.1393A>G (p.Thr465Ala)

Gene: MCM2 (minichromosome maintenance complex component 2; plus strand). Cytogenetic location: 3q21.3.
Variant type: single nucleotide variant.
Coding change: c.1393A>G on transcript NM_004526.4 (MANE Select); coding-DNA position 1393, A replaced by G.
Protein change: p.Thr465Ala; replaces threonine 465 with alanine.
Molecular consequence: missense variant. On other transcripts: non-coding transcript variant (1).
Genome position (GRCh38, 1-based): chr3:127,608,988, A>G. VCF-style: chr3-127608988-A-G. GRCh37 (hg19) VCF-style: chr3-127327831-A-G.
Other names: short protein forms T465A.
Identifiers: ClinVar variation 1345543 (VCV001345543.8), dbSNP rs182603137, ClinGen allele CA2595871.
Genomic context (GRCh38, chr3:127,608,988, plus strand): 5'-GCCAAGAAGGACAACAAGGTTGCTGTAGGGGAACTGACCGATGAAGATGTGAAGATGATC[A>G]CTAGCCTCTCCAAGGATCAGCAGATCGGAGAGAAGGTAGGTGGAAGGCAGGGGCAGGGGC-3'
Protein context (NP_004517.2, residues 455-475): ELTDEDVKMI[Thr465Ala]SLSKDQQIGE

ClinVar aggregate classification (germline): Uncertain significance (1 of 4 stars; one submission).

Allele frequency attached by ClinVar (database versions not stated): gnomAD 0.00001; gnomAD exomes 0.00001 and 0.00004; TOPMed 0.00002; ExAC 0.00003; 1000 Genomes Project 30x 0.00016; 1000 Genomes Project 0.00020.
gnomAD v4.1: 16 of 1,614,212 alleles (0.00099%); highest among the groups gnomAD compares: Admixed American, 0.02%; no homozygotes.

Submission:

Labcorp Genetics (formerly Invitae), Labcorp
Classification: Uncertain significance. Last evaluated: 2023-11-12. Review status: criteria provided, single submitter. Criteria: Invitae Variant Classification Sherloc (09022015). Collection method: clinical testing. Allele origin: germline.
Comment: This sequence change replaces threonine, which is neutral and polar, with alanine, which is neutral and non-polar, at codon 465 of the MCM2 protein (p.Thr465Ala). This variant is present in population databases (rs182603137, gnomAD 0.03%). This variant has not been reported in the literature in individuals affected with MCM2-related conditions. ClinVar contains an entry for this variant (Variation ID: 1345543). Advanced modeling of protein sequence and biophysical properties (such as structural, functional, and spatial information, amino acid conservation, physicochemical variation, residue mobility, and thermodynamic stability) performed at Invitae indicates that this missense variant is not expected to disrupt MCM2 protein function with a negative predictive value of 80%. In summary, the available evidence is currently insufficient to determine the role of this variant in disease. Therefore, it has been classified as a Variant of Uncertain Significance.